The following is an entry in ClinVar:

ClinVar aggregate classification (germline): Uncertain significance (1 of 4 stars; one submission).

Conditions:
Fanconi anemia complementation group J. Also called: BRIP1-Related Fanconi Anemia. Identifiers: Orphanet 84, MedGen C1836860, MONDO:0012187, OMIM 609054.
Familial cancer of breast. Also called: hereditary breast carcinoma; BREAST CANCER, FAMILIAL; Hereditary breast cancer. Identifiers: Orphanet 227535, MedGen C0346153, MONDO:0016419, OMIM 114480. Disease mechanism: loss of function.

Submission:

Labcorp Genetics (formerly Invitae), Labcorp
Classification: Uncertain significance for Familial cancer of breast; Fanconi anemia complementation group J. Last evaluated: 2024-01-17. Review status: criteria provided, single submitter. Criteria: Invitae Variant Classification Sherloc (09022015). Collection method: clinical testing. Allele origin: germline.
Comment: This sequence change replaces lysine, which is basic and polar, with glutamine, which is neutral and polar, at codon 890 of the BRIP1 protein (p.Lys890Gln). This variant is not present in population databases (gnomAD no frequency). This variant has not been reported in the literature in individuals affected with BRIP1-related conditions. Advanced modeling of protein sequence and biophysical properties (such as structural, functional, and spatial information, amino acid conservation, physicochemical variation, residue mobility, and thermodynamic stability) performed at Invitae indicates that this missense variant is not expected to disrupt BRIP1 protein function with a negative predictive value of 80%. In summary, the available evidence is currently insufficient to determine the role of this variant in disease. Therefore, it has been classified as a Variant of Uncertain Significance.

NM_032043.3(BRIP1):c.2668A>C (p.Lys890Gln)

Gene: BRIP1 (BRCA1 interacting DNA helicase 1; minus strand). Cytogenetic location: 17q23.2.
Variant type: single nucleotide variant.
Coding change: c.2668A>C on transcript NM_032043.3 (MANE Select); coding-DNA position 2668, A replaced by C.
Protein change: p.Lys890Gln; replaces lysine 890 with glutamine.
Molecular consequence: missense variant.
Genome position (GRCh38, 1-based): chr17:61,686,073, T>G on the plus strand (A>C on the coding strand, the complement: BRIP1 is on the minus strand). VCF-style: chr17-61686073-T-G. GRCh37 (hg19) VCF-style: chr17-59763434-T-G.
Other names: short protein forms K890Q.
Identifiers: ClinVar variation 2922260 (VCV002922260.3), dbSNP rs1603276892, ClinGen allele CA400481819.
Genomic context (GRCh38, chr17:61,686,073, plus strand): 5'-CAAGTGTAGACTCATTGTCCTGTATATTGGTTCTGTCCTTTATGGATACATTAAGAACTT[T>G]TTGATGCTTTTTGGAAAATTCAGCCAAGGATTCCAGTGCACTTTCAAAGGTTGAATGGTG-3'
Protein context (NP_114432.2, residues 880-900): SLAEFSKKHQ[Lys890Gln]VLNVSIKDRT